The following is an entry in ClinVar:

NM_001365276.2(TNXB):c.10292G>C (p.Arg3431Pro)

Genes: TNXB (tenascin XB; minus strand), LOC126859654 (P300/CBP strongly-dependent group 1 enhancer GRCh37_chr6:32014364-32015563; plus strand). Cytogenetic location: 6p21.33.
Variant type: single nucleotide variant.
Coding change: c.10292G>C on transcript NM_001365276.2 (MANE Select); coding-DNA position 10292, G replaced by C.
Protein change: p.Arg3431Pro; replaces arginine 3431 with proline.
Molecular consequence: missense variant.
Genome position (GRCh38, 1-based): chr6:32,047,766, C>G on the plus strand (G>C on the coding strand, the complement: TNXB is on the minus strand). VCF-style: chr6-32047766-C-G. GRCh37 (hg19) VCF-style: chr6-32015543-C-G.
Other names: c.10286G>C, p.Arg3429Pro (NM_019105.8); short protein forms R3431P, R3429P.
Identifiers: ClinVar variation 3327915 (VCV003327915.1).

ClinVar aggregate classification (germline): Uncertain significance (1 of 4 stars; one submission).

Conditions:
Cardiovascular phenotype. Identifiers: MedGen CN230736.

Submission:

Ambry Genetics
Classification: Uncertain significance for Cardiovascular phenotype. Last evaluated: 2024-05-26. Review status: criteria provided, single submitter. Criteria: Ambry Variant Classification Scheme 2023. Collection method: clinical testing. Allele origin: germline.
Comment: The p.R3429P variant (also known as c.10286G>C), located in coding exon 29 of the TNXB gene, results from a G to C substitution at nucleotide position 10286. The arginine at codon 3429 is replaced by proline, an amino acid with dissimilar properties. This amino acid position is conserved. In addition, this alteration is predicted to be tolerated by in silico analysis. Based on the available evidence, the clinical significance of this variant remains unclear.